The following is an entry in ClinVar:

NM_000521.4(HEXB):c.839T>G (p.Leu280Ter)

Gene: HEXB (hexosaminidase subunit beta; plus strand). Cytogenetic location: 5q13.3.
Variant type: single nucleotide variant.
Coding change: c.839T>G on transcript NM_000521.4 (MANE Select); coding-DNA position 839, T replaced by G.
Protein change: p.Leu280Ter; replaces leucine 280 with a stop codon.
Molecular consequence: nonsense.
Genome position (GRCh38, 1-based): chr5:74,713,573, T>G. VCF-style: chr5-74713573-T-G. GRCh37 (hg19) VCF-style: chr5-74009398-T-G.
Other names: c.164T>G, p.Leu55Ter (NM_001292004.2); short protein forms L55*, L280*.
Identifiers: ClinVar variation 664928 (VCV000664928.7), dbSNP rs1579950499, ClinGen allele CA360067102.
Genomic context (GRCh38, chr5:74,713,573, plus strand): 5'-ATTCTTTGTCTCATGTTTATACACCAAATGATGTCCGTATGGTGATTGAATATGCCAGAT[T>G]ACGAGGAATTCGAGTCCTGCCAGAATTTGATACCCCTGGGCATACACTATCTTGGGGAAA-3'

ClinVar aggregate classification (germline): Pathogenic. Review status: criteria provided, multiple submitters, no conflicts (2 of 4 stars). 2 submissions from 2 submitters: Pathogenic (2). Last evaluated 2023-01-20.

Conditions:
Sandhoff disease. Also called: GM2-GANGLIOSIDOSIS, TYPE II; HEXOSAMINIDASES A AND B DEFICIENCY; Beta-hexosaminidase-beta-subunit deficiency; GM2 gangliosidosis, type 2; Total hexosaminidase deficiency; Sandhoff-Jatzkewitz-Pilz disease. Identifiers: Orphanet 796, MedGen C0036161, MONDO:0010006, OMIM 268800.

Allele frequency attached by ClinVar (database versions not stated): gnomAD exomes below 0.00001.
gnomAD v4.1: 3 of 1,613,246 alleles (0.00019%); highest among the groups gnomAD compares: South Asian, 0.0033%; no homozygotes.

Submissions (2):

Labcorp Genetics (formerly Invitae), Labcorp
Classification: Pathogenic for Sandhoff disease. Last evaluated: 2023-01-20. Review status: criteria provided, single submitter. Criteria: Invitae Variant Classification Sherloc (09022015). Collection method: clinical testing. Allele origin: germline.
Comment: For these reasons, this variant has been classified as Pathogenic. ClinVar contains an entry for this variant (Variation ID: 664928). This variant has not been reported in the literature in individuals affected with HEXB-related conditions. This variant is not present in population databases (gnomAD no frequency). This sequence change creates a premature translational stop signal (p.Leu280*) in the HEXB gene. It is expected to result in an absent or disrupted protein product. Loss-of-function variants in HEXB are known to be pathogenic (PMID: 7550345, 18758829).

3billion
Classification: Pathogenic for Sandhoff disease. Last evaluated: 2022-03-22. Review status: criteria provided, single submitter. Criteria: ACMG Guidelines, 2015. Collection method: clinical testing. Allele origin: germline. Affected: yes. Observed: 1 heterozygote.
Comment: Stop-gained (nonsense): predicted to result in a loss or disruption of normal protein function through nonsense-mediated decay (NMD) or protein truncation. Multiple pathogenic variants are reported downstream of the variant. This variant has been reported as pathogenic (ClinVar ID: VCV000664928). It is not observed in the gnomAD v2.1.1 dataset. The variant is in trans with the other variant. Therefore, this variant is classified as pathogenic according to the recommendation of ACMG/AMP guideline.

Literature cited by the submitters: PubMed 7550345 (cited by Labcorp Genetics (formerly Invitae), Labcorp); PubMed 18758829 (cited by Labcorp Genetics (formerly Invitae), Labcorp).